The following is an entry in ClinVar:

NM_000138.5(FBN1):c.3989C>T (p.Ala1330Val)

Gene: FBN1 (fibrillin 1; minus strand). Cytogenetic location: 15q21.1.
Variant type: single nucleotide variant.
Coding change: c.3989C>T on transcript NM_000138.5 (MANE Select); coding-DNA position 3989, C replaced by T.
Protein change: p.Ala1330Val; replaces alanine 1330 with valine.
Molecular consequence: missense variant.
Genome position (GRCh38, 1-based): chr15:48,474,626, G>A on the plus strand (C>T on the coding strand, the complement: FBN1 is on the minus strand). VCF-style: chr15-48474626-G-A. GRCh37 (hg19) VCF-style: chr15-48766823-G-A.
Other names: c.3989C>T, p.Ala1330Val (NM_001406716.1); short protein forms A1330V.
Identifiers: ClinVar variation 2095105 (VCV002095105.5), dbSNP rs2505518905, ClinGen allele CA392320614.

ClinVar aggregate classification (germline): Uncertain significance. Review status: criteria provided, multiple submitters, no conflicts (2 of 4 stars). 2 submissions from 2 submitters: Uncertain significance (2). Last evaluated 2025-10-30.

Conditions:
Familial thoracic aortic aneurysm and aortic dissection (TAAD). Also called: Thoracic aortic aneurysms and dissections. Identifiers: Orphanet 91387, MedGen C4707243, MONDO:0019625.
Marfan syndrome (MFS). Also called: MARFAN SYNDROME, TYPE I; Marfan syndrome type 1; Marfan's syndrome; Marfan syndrome, classic; FBN1-Related Marfan Syndrome. Identifiers: Orphanet 284963, Orphanet 558, MedGen C0024796, MONDO:0007947, OMIM 154700.

Submissions (2):

Ambry Genetics
Classification: Uncertain significance for Familial thoracic aortic aneurysm and aortic dissection. Last evaluated: 2025-10-30. Review status: criteria provided, single submitter. Criteria: Ambry Variant Classification Scheme 2023. Collection method: clinical testing. Allele origin: germline.
Comment: The p.A1330V variant (also known as c.3989C>T), located in coding exon 32 of the FBN1 gene, results from a C to T substitution at nucleotide position 3989. The alanine at codon 1330 is replaced by valine, an amino acid with similar properties. This amino acid position is highly conserved in available vertebrate species. In addition, the in silico prediction for this alteration is inconclusive. Based on the available evidence, the clinical significance of this variant remains unclear.

Labcorp Genetics (formerly Invitae), Labcorp
Classification: Uncertain significance for Marfan syndrome; Familial thoracic aortic aneurysm and aortic dissection. Last evaluated: 2022-05-22. Review status: criteria provided, single submitter. Criteria: Invitae Variant Classification Sherloc (09022015). Collection method: clinical testing. Allele origin: germline.
Comment: In summary, the available evidence is currently insufficient to determine the role of this variant in disease. Therefore, it has been classified as a Variant of Uncertain Significance. Algorithms developed to predict the effect of missense changes on protein structure and function are either unavailable or do not agree on the potential impact of this missense change (SIFT: "Tolerated"; PolyPhen-2: "Possibly Damaging"; Align-GVGD: "Class C0"). This variant has not been reported in the literature in individuals affected with FBN1-related conditions. This variant is not present in population databases (gnomAD no frequency). This sequence change replaces alanine, which is neutral and non-polar, with valine, which is neutral and non-polar, at codon 1330 of the FBN1 protein (p.Ala1330Val).